The following is an entry in ClinVar:

ClinVar aggregate classification (germline): Likely pathogenic (1 of 4 stars; one submission).

Conditions:
Neurodegeneration with brain iron accumulation 2B. Also called: NEUROAXONAL DYSTROPHY, ATYPICAL; NEURODEGENERATION WITH BRAIN IRON ACCUMULATION, PLA2G6-RELATED; aNAD; atypical Neuroaxonal Dystrophy (aNAD). Identifiers: Orphanet 35069, MedGen C1857747, MONDO:0012444, OMIM 610217.

Submission:

Neuberg Centre For Genomic Medicine, NCGM
Classification: Likely pathogenic for Neurodegeneration with brain iron accumulation 2B. Review status: criteria provided, single submitter. Criteria: ACMG Guidelines, 2015. Collection method: clinical testing. Allele origin: germline. Inheritance: Autosomal recessive inheritance. Affected: yes.
Comment: The stop gained variant c.790C>T (p.Gln264Ter) in PLA2G6 gene has not been reported previously as a pathogenic variant nor as a benign variant, to our knowledge. The c.790C>T variant is novel (not in any individuals) in gnomAD Exomes and 1000 Genomes. The nucleotide change c.790C>T in PLA2G6 is predicted as conserved by GERP++ and PhyloP across 100 vertebrates. This variant is predicted to cause loss of normal protein function. Loss of function variants have been previously reported to be disease causing. For these reasons, this variant has been classified as Likely Pathogenic.

NM_003560.4(PLA2G6):c.790C>T (p.Gln264Ter)

Gene: PLA2G6 (phospholipase A2 group VI; minus strand). Cytogenetic location: 22q13.1.
Variant type: single nucleotide variant.
Coding change: c.790C>T on transcript NM_003560.4 (MANE Select); coding-DNA position 790, C replaced by T.
Protein change: p.Gln264Ter; replaces glutamine 264 with a stop codon.
Molecular consequence: nonsense. On other transcripts: intron variant (1).
Genome position (GRCh38, 1-based): chr22:38,139,989, G>A on the plus strand (C>T on the coding strand, the complement: PLA2G6 is on the minus strand). VCF-style: chr22-38139989-G-A. GRCh37 (hg19) VCF-style: chr22-38535996-G-A.
Other names: c.790C>T, p.Gln264Ter (NM_001004426.3, NM_001199562.3, NM_001349864.2 and 2 more transcripts); c.256C>T, p.Gln86Ter (NM_001349867.2, NM_001349869.2); c.119+3116C>T (NM_001349868.2); short protein forms Q86*, Q264*.
Identifiers: ClinVar variation 2584819 (VCV002584819.1), dbSNP rs2518041104, ClinGen allele CA411531241.
Genomic context (GRCh38, chr22:38,139,989, plus strand): 5'-CAGGAGAGCTGGAGCCCAGCAGGCCAGCAGATGGGGAGGGGAGGAGGTCTTACCCCTTCT[G>A]AGAGAACTTCATGGCCGAGTGGATGGGGTAGCCGTTGGGGCCCATGATGTTGCACCGAGC-3'